The following is an entry in ClinVar:

ClinVar aggregate classification (germline): Pathogenic (1 of 4 stars; one submission).

Submission:

Baylor Genetics
Classification: Pathogenic. Last evaluated: 2018-11-01. Review status: criteria provided, single submitter. Criteria: ACMG CNV Guidelines, 2011. Collection method: clinical testing. Allele origin: germline. Observed: 1 variant allele.

GRCh37/hg19 1p31.1(chr1:71410579-78131158)

Genes: ACADM (acyl-CoA dehydrogenase medium chain; plus strand), AK5 (adenylate kinase 5; plus strand), ASB17 (ankyrin repeat and SOCS box containing 17; minus strand), CRYZ (crystallin zeta; minus strand), ERICH3 (glutamate rich 3; minus strand) and 18 more. Cytogenetic location: 1p31.1.
Variant type: copy number gain.
Identifiers: ClinVar variation 625763 (VCV000625763.1).